The following is an entry in ClinVar:

ClinVar aggregate classification (germline): Likely pathogenic (1 of 4 stars; one submission).

Allele frequency attached by ClinVar (database versions not stated): gnomAD exomes below 0.00001; ExAC 0.00001.
gnomAD v4.1: 1 of 1,599,662 alleles (0.000063%); highest among the groups gnomAD compares: Non-Finnish European, 0.000086%; no homozygotes.

Submission:

Labcorp Genetics (formerly Invitae), Labcorp
Classification: Likely pathogenic. Last evaluated: 2022-12-25. Review status: criteria provided, single submitter. Criteria: Invitae Variant Classification Sherloc (09022015). Collection method: clinical testing. Allele origin: germline.
Comment: This sequence change affects a donor splice site in intron 8 of the REL gene. It is expected to disrupt RNA splicing. Variants that disrupt the donor or acceptor splice site typically lead to a loss of protein function (PMID: 16199547), and loss-of-function variants in REL are known to be pathogenic (PMID: 31103457, 34623332). This variant is present in population databases (rs778774642, gnomAD 0.0009%). This variant has not been reported in the literature in individuals affected with REL-related conditions. Algorithms developed to predict the effect of sequence changes on RNA splicing suggest that this variant may disrupt the consensus splice site. In summary, the currently available evidence indicates that the variant is pathogenic, but additional data are needed to prove that conclusively. Therefore, this variant has been classified as Likely Pathogenic.

Literature cited by the submitters: PubMed 16199547; PubMed 31103457; PubMed 34623332.

NM_001291746.2(REL):c.922+1G>A

Gene: REL (REL proto-oncogene, NF-kB subunit; plus strand). Cytogenetic location: 2p16.1.
Variant type: single nucleotide variant.
Coding change: c.922+1G>A on transcript NM_001291746.2 (MANE Select); the canonical splice donor site of the intron after coding-DNA position 922, G replaced by A.
Molecular consequence: splice donor variant.
Genome position (GRCh38, 1-based): chr2:60,920,110, G>A. VCF-style: chr2-60920110-G-A. GRCh37 (hg19) VCF-style: chr2-61147245-G-A.
Other names: c.922+1G>A (NM_002908.4).
Identifiers: ClinVar variation 2824163 (VCV002824163.3), dbSNP rs778774642, ClinGen allele CA1672343.
Genomic context (GRCh38, chr2:60,920,110, plus strand): 5'-GCAATAAAGCAAAGAAACAAAAGACAACTCTGCTTTTCCAGAAACTGTGCCAGGATCACG[G>A]TAAGAATAGTTTGGATCGATTCATATTTAAATAGGTTTTGTTTTATTTACTTTATTCAGT-3'